The following is an entry in ClinVar:

NM_000059.4(BRCA2):c.426-6_438del

Gene: BRCA2 (BRCA2 DNA repair associated; plus strand). Cytogenetic location: 13q13.1.
Variant type: Deletion.
Coding change: c.426-6_438del on transcript NM_000059.4 (MANE Select); 6 bases into the intron before coding-DNA position 426 through coding-DNA position 438, 19 bases deleted (TTTTAGTCCTGTTGTTCTA).
Molecular consequence: splice acceptor variant.
Genome position (GRCh38, 1-based): chr13:32,326,095-32,326,113, TTTTAGTCCTGTTGTTCTA deleted; deleting any 19 consecutive bases within chr13:32,326,093-32,326,113 gives the same sequence; the c. name uses the placement nearest the transcript's 3' end. VCF-style (leftmost placement, unchanged base first): chr13-32326092-TTATTTTAGTCCTGTTGTTC-T. GRCh37 (hg19) VCF-style: chr13-32900229-TTATTTTAGTCCTGTTGTTC-T.
Other names: c.426-6_438del19 (NM_000059.3).
Identifiers: ClinVar variation 267644 (VCV000267644.5), dbSNP rs886040925, ClinGen allele CA10602517.
Genomic context (GRCh38, chr13:32,326,092, plus strand): 5'-AAAATAAGATAAACTAGTTTTTGCCAGTTTTTTAAAATAACCTAAGGGATTTGCTTTGTT[TTATTTTAGTCCTGTTGTTC>T]TACAATGTACACATGTAACACCACAAAGAGATAAGTCAGGTATGATTAAAAACAATGCTT-3'

ClinVar aggregate classification (germline): Pathogenic. Review status: criteria provided, multiple submitters, no conflicts (2 of 4 stars). 2 submissions from 2 submitters: Pathogenic (2). Last evaluated 2015-10-02.

Conditions:
Breast-ovarian cancer, familial, susceptibility to, 2 (BROVCA2). Also called: BRCA2 Hereditary Breast and Ovarian Cancer. Identifiers: Orphanet 145, MedGen C2675520, MONDO:0012933, OMIM 612555. Disease mechanism: loss of function.
Hereditary cancer-predisposing syndrome. Also called: Hereditary neoplastic syndrome; Neoplastic Syndromes, Hereditary; Tumor predisposition; Hereditary Cancer Syndrome. Identifiers: Orphanet 140162, MedGen C0027672, MeSH D009386, MONDO:0015356.

Submissions (2):

Consortium of Investigators of Modifiers of BRCA1/2 (CIMBA), c/o University of Cambridge
Classification: Pathogenic for Breast-ovarian cancer, familial, susceptibility to, 2. Last evaluated: 2015-10-02. Review status: criteria provided, single submitter. Criteria: CIMBA Mutation Classification guidelines May 2016. Collection method: clinical testing. Allele origin: germline.

Ambry Genetics
Classification: Pathogenic for Hereditary cancer-predisposing syndrome. Last evaluated: 2015-05-26. Review status: criteria provided, single submitter. Criteria: Ambry Variant Classification Scheme 2023. Collection method: clinical testing. Allele origin: germline.
Comment: The c.426-6_438del19 pathogenic mutation is a deletion beginning 6 nucleotides before coding exon 4 of the BRCA2 gene and extending 13 nucleotides into coding exon 4. This results in the deletion of a total of 19 nucleotides including the splice donor site and is predicted to abolish the native splice acceptor site by both the BDGP and ESEfinder in silico splicing models. In addition, this alteration would cause a translational frameshift with a predicted alternate stop codon in any normally-spliced transcript. Since alterations that disrupt the canonical splice acceptor site and/or result in frameshifts are typically deleterious in nature, this alteration is interpreted as a disease-causing mutation (ACMG Recommendations for Standards for Interpretation and Reporting of Sequence Variations. Revision 2007. Genet Med. 2008;10:294).